The following is an entry in ClinVar:

NM_000264.5(PTCH1):c.-24GGC[12]

Genes: PTCH1 (patched 1; minus strand), LOC130002133 (ATAC-STARR-seq lymphoblastoid silent region 20071; plus strand). Cytogenetic location: 9q22.32.
Variant type: Microsatellite.
Coding change: c.-24GGC[12] on transcript NM_000264.5 (MANE Select); 12 copies in a row of the 3-base unit GGC starting at c.-24; the reference has seven copies in a row; five copies, 15 bases duplicated.
Molecular consequence: 5 prime UTR variant. On other transcripts: non-coding transcript variant (1), intron variant (3).
Genome position (GRCh38, 1-based): chr9:95,508,365-95,508,379, GCCGCCGCCGCCGCC duplicated on the plus strand (GGCGGCGGCGGCGGC on the coding strand, the reverse complement: PTCH1 is on the minus strand); duplicating any 15 consecutive bases within chr9:95,508,365-95,508,387 gives the same sequence; the position shown is the placement nearest the transcript's 3' end. VCF-style (leftmost placement, unchanged base first): chr9-95508364-T-TGCCGCCGCCGCCGCC. GRCh37 (hg19) VCF-style: chr9-98270646-T-TGCCGCCGCCGCCGCC.
Other names: c.-24GGC[12] (NM_001354918.2); c.199-1786GGC[12] (NM_001083603.3); c.4-1786GGC[12] (NM_001083602.3, NM_001354919.2).
Identifiers: ClinVar variation 3049919 (VCV003049919.2), dbSNP rs71366293, ClinGen allele CA868818125.

ClinVar aggregate classification (germline): Likely benign (0 of 4 stars; one submission).

Conditions:
PTCH1-related disorder. Also called: PTCH1-related disorders; PTCH1-related condition.

Submission:

PreventionGenetics, part of Exact Sciences
Classification: Likely benign for PTCH1-related condition. Last evaluated: 2022-05-27. Review status: no assertion criteria provided. Collection method: clinical testing. Allele origin: germline.
Comment: This variant is classified as likely benign based on ACMG/AMP sequence variant interpretation guidelines (Richards et al. 2015 PMID: 25741868, with internal and published modifications).